The following is an entry in ClinVar:

NM_198253.3(TERT):c.2320C>G (p.Arg774Gly)

Gene: TERT (telomerase reverse transcriptase; minus strand). Cytogenetic location: 5p15.33.
Variant type: single nucleotide variant.
Coding change: c.2320C>G on transcript NM_198253.3 (MANE Select); coding-DNA position 2320, C replaced by G.
Protein change: p.Arg774Gly; replaces arginine 774 with glycine.
Molecular consequence: missense variant.
Genome position (GRCh38, 1-based): chr5:1,272,247, G>C on the plus strand (C>G on the coding strand, the complement: TERT is on the minus strand). VCF-style: chr5-1272247-G-C. GRCh37 (hg19) VCF-style: chr5-1272362-G-C.
Other names: c.2320C>G, p.Arg774Gly (NM_001193376.3, NM_003219.1); short protein forms R774G.
Identifiers: ClinVar variation 3238552 (VCV003238552.1), dbSNP rs770066110.

ClinVar aggregate classification (germline): Uncertain significance (1 of 4 stars; one submission).

Conditions:
Dyskeratosis congenita. Identifiers: Orphanet 1775, MedGen C0265965, MONDO:0015780.

gnomAD v4.1: 2 of 1,612,754 alleles (0.00012%); highest among the groups gnomAD compares: Non-Finnish European, 0.00017%; no homozygotes.

Submission:

Ambry Genetics
Classification: Uncertain significance for Dyskeratosis congenita. Last evaluated: 2024-02-28. Review status: criteria provided, single submitter. Criteria: Ambry Variant Classification Scheme 2023. Collection method: clinical testing. Allele origin: germline.
Comment: The p.R774G variant (also known as c.2320C>G), located in coding exon 7 of the TERT gene, results from a C to G substitution at nucleotide position 2320. The arginine at codon 774 is replaced by glycine, an amino acid with dissimilar properties. This amino acid position is conserved. In addition, this alteration is predicted to be tolerated by in silico analysis. Based on the available evidence, the clinical significance of this alteration remains unclear.